The following is an entry in ClinVar:

ClinVar aggregate classification (germline): Uncertain significance (1 of 4 stars; one submission).

Conditions:
Hypertrophic cardiomyopathy 15. Identifiers: MedGen C2750459, MONDO:0013200, OMIM 613255.
Dilated cardiomyopathy 1W (CMD1W). Identifiers: Orphanet 154, MedGen C1969639, MONDO:0012667, OMIM 611407.

Submission:

Geisinger Autism and Developmental Medicine Institute, Geisinger Health System
Classification: Uncertain significance for Dilated cardiomyopathy 1W; Hypertrophic cardiomyopathy 15. Last evaluated: 2015-10-30. Review status: criteria provided, single submitter. Criteria: ACMG CNV Guidelines, 2011. Collection method: provider interpretation. Allele origin: unknown.
Comment: Parental testing has not been performed.

Literature cited by the submitters: PubMed 11815424; PubMed 16236538.

Single allele

Genes: AP3M1 (adaptor related protein complex 3 subunit mu 1; minus strand), VCL (vinculin; plus strand). Cytogenetic location: 10q22.2.
Variant type: Duplication.
Identifiers: ClinVar variation 560071 (VCV000560071.3).